The following is an entry in ClinVar:

NM_014314.4(RIGI):c.1745T>C (p.Ile582Thr)

Gene: RIGI (RNA sensor RIG-I; minus strand). Cytogenetic location: 9p21.1.
Variant type: single nucleotide variant.
Coding change: c.1745T>C on transcript NM_014314.4 (MANE Select); coding-DNA position 1745, T replaced by C.
Protein change: p.Ile582Thr; replaces isoleucine 582 with threonine.
Molecular consequence: missense variant.
Genome position (GRCh38, 1-based): chr9:32,480,248, A>G on the plus strand (T>C on the coding strand, the complement: RIGI is on the minus strand). VCF-style: chr9-32480248-A-G. GRCh37 (hg19) VCF-style: chr9-32480246-A-G.
Other names: c.1739T>C, p.Ile580Thr (NM_001385907.1); c.1745T>C, p.Ile582Thr (NM_001385909.1); c.1304T>C, p.Ile435Thr (NM_001385910.1); c.1136T>C, p.Ile379Thr (NM_001385912.1); c.1730T>C, p.Ile577Thr (NM_001385913.1); c.1301T>C, p.Ile434Thr (NM_001385914.1); short protein forms I379T, I435T, I582T, I434T, I577T, I580T.
Identifiers: ClinVar variation 2896426 (VCV002896426.5), dbSNP rs752734310, ClinGen allele CA5019705.

ClinVar aggregate classification (germline): Uncertain significance. Review status: criteria provided, multiple submitters, no conflicts (2 of 4 stars). 2 submissions from 2 submitters: Uncertain significance (2). Last evaluated 2025-12-16.

Allele frequency attached by ClinVar (database versions not stated): ExAC 0.00001; gnomAD 0.00001; TOPMed 0.00001; gnomAD exomes 0.00002.
gnomAD v4.1: 29 of 1,608,916 alleles (0.0018%); highest among the groups gnomAD compares: Non-Finnish European, 0.0022%; no homozygotes.

Submissions (2):

Labcorp Genetics (formerly Invitae), Labcorp
Classification: Uncertain significance. Last evaluated: 2025-12-16. Review status: criteria provided, single submitter. Criteria: Invitae Variant Classification Sherloc (09022015). Collection method: clinical testing. Allele origin: germline.
Comment: This sequence change replaces isoleucine, which is neutral and non-polar, with threonine, which is neutral and polar, at codon 582 of the DDX58 protein (p.Ile582Thr). This variant is present in population databases (rs752734310, gnomAD 0.004%). This variant has not been reported in the literature in individuals affected with DDX58-related conditions. ClinVar contains an entry for this variant (Variation ID: 2896426). Invitae Evidence Modeling of protein sequence and biophysical properties (such as structural, functional, and spatial information, amino acid conservation, physicochemical variation, residue mobility, and thermodynamic stability) indicates that this missense variant is not expected to disrupt DDX58 protein function with a negative predictive value of 80%. In summary, the available evidence is currently insufficient to determine the role of this variant in disease. Therefore, it has been classified as a Variant of Uncertain Significance.

Women's Health and Genetics/Laboratory Corporation of America, LabCorp
Classification: Uncertain significance. Last evaluated: 2024-11-26. Review status: criteria provided, single submitter. Criteria: LabCorp Variant Classification Summary - May 2015. Collection method: clinical testing. Allele origin: germline.
Comment: Variant summary: RIGI c.1745T>C (p.Ile582Thr) results in a non-conservative amino acid change in the encoded protein sequence. Four of five in-silico tools predict a benign effect of the variant on protein function. The variant allele was found at a frequency of 1.4e-05 in 282304 control chromosomes. The available data on variant occurrences in the general population are insufficient to allow any conclusion about variant significance. To our knowledge, no occurrence of c.1745T>C in individuals affected with Singleton-Merten Syndrome 2 and no experimental evidence demonstrating its impact on protein function have been reported. ClinVar contains an entry for this variant (Variation ID: 2896426). Based on the evidence outlined above, the variant was classified as uncertain significance.